The following is an entry in ClinVar:

NM_015158.5(KANK1):c.3878A>G (p.Asn1293Ser)

Gene: KANK1 (KN motif and ankyrin repeat domains 1; plus strand). Cytogenetic location: 9p24.3.
Variant type: single nucleotide variant.
Coding change: c.3878A>G on transcript NM_015158.5 (MANE Select); coding-DNA position 3878, A replaced by G.
Protein change: p.Asn1293Ser; replaces asparagine 1293 with serine.
Molecular consequence: missense variant. On other transcripts: non-coding transcript variant (1).
Genome position (GRCh38, 1-based): chr9:742,386, A>G. VCF-style: chr9-742386-A-G. GRCh37 (hg19) VCF-style: chr9-742386-A-G.
Other names: c.3878A>G, p.Asn1293Ser (NM_001256876.3, NM_001256877.3, NM_001354334.2); c.3638A>G, p.Asn1213Ser (NM_001354331.2); c.3824A>G, p.Asn1275Ser (NM_001354332.2); c.3404A>G, p.Asn1135Ser (NM_001354333.2, NM_001354335.2, NM_001354337.2 and 2 more transcripts); c.3110A>G, p.Asn1037Ser (NM_001354336.2); c.3350A>G, p.Asn1117Ser (NM_001354338.2, NM_001354340.2, NM_001354344.2); c.3164A>G, p.Asn1055Ser (NM_001354339.2, NM_001354342.2, NM_001354343.2); short protein forms N1135S, N1055S, N1117S, N1213S, N1037S, N1275S, N1293S.
Identifiers: ClinVar variation 786902 (VCV000786902.25), dbSNP rs34662647, ClinGen allele CA4961208.

ClinVar aggregate classification (germline): Likely benign. Review status: criteria provided, multiple submitters, no conflicts (2 of 4 stars). 3 submissions from 3 submitters: Likely benign (2). 1 of the submissions does not count toward it. Last evaluated 2026-08-01.

Conditions:
KANK1-related disorder. Also called: KANK1-related condition.

Allele frequency attached by ClinVar (database versions not stated): gnomAD 0.00182 and 0.00204; TOPMed 0.00224; gnomAD exomes 0.00020 and 0.00041; ExAC 0.00054; 1000 Genomes Project 0.00060; 1000 Genomes Project 30x 0.00062; ESP Exome Variant Server 0.00177.
gnomAD v4.1: 588 of 1,613,666 alleles (0.036%); highest among the groups gnomAD compares: African/African-American, 0.67%; 4 homozygotes.

Submissions (3):

CeGaT Center for Human Genetics Tuebingen
Classification: Likely benign. Last evaluated: 2026-08-01. Review status: criteria provided, single submitter. Criteria: CeGaT Center For Human Genetics Tuebingen Variant Classification Criteria Version 2. Collection method: clinical testing. Allele origin: germline. Affected: yes. Observed: 3 variant alleles.
Comment: KANK1: BP4

Labcorp Genetics (formerly Invitae), Labcorp
Classification: Likely benign. Last evaluated: 2025-06-12. Review status: criteria provided, single submitter. Criteria: Invitae Variant Classification Sherloc (09022015). Collection method: clinical testing. Allele origin: germline.

PreventionGenetics, part of Exact Sciences
Classification: Likely benign for KANK1-related condition. Last evaluated: 2023-05-09. Review status: no assertion criteria provided. Collection method: clinical testing. Allele origin: germline. Not counted in ClinVar's aggregate classification.
Comment: This variant is classified as likely benign based on ACMG/AMP sequence variant interpretation guidelines (Richards et al. 2015 PMID: 25741868, with internal and published modifications).